The following is an entry in ClinVar:

ClinVar aggregate classification (germline): Benign (1 of 4 stars; one submission).

Conditions:
Pancreatic cancer, susceptibility to, 1. Identifiers: Orphanet 1333, MedGen C1847351, MONDO:0011739, OMIM 606856.

Allele frequency attached by ClinVar (database versions not stated): 1000 Genomes Project 30x 0.00094; 1000 Genomes Project 0.00100; gnomAD 0.00208 and 0.00224; TOPMed 0.00239; gnomAD exomes 0.00256.
gnomAD v4.1: 869 of 361,056 alleles (0.24%); highest among the groups gnomAD compares: Middle Eastern, 0.55%; 1 homozygote.

Submission:

Illumina Laboratory Services, Illumina
Classification: Benign for Pancreatic cancer, susceptibility to, 1. Last evaluated: 2018-01-13. Review status: criteria provided, single submitter. Criteria: ICSL Variant Classification Criteria 13 December 2019. Collection method: clinical testing. Allele origin: germline.
Comment: This variant was observed in the ICSL laboratory as part of a predisposition screen in an ostensibly healthy population. It had not been previously curated by ICSL or reported in the Human Gene Mutation Database (HGMD: prior to June 1st, 2018), and was therefore a candidate for classification through an automated scoring system. Utilizing variant allele frequency, disease prevalence and penetrance estimates, and inheritance mode, an automated score was calculated to assess if this variant is too frequent to cause the disease. Based on the score and internal cut-off values, a variant classified as benign is not then subjected to further curation. The score for this variant resulted in a classification of benign for this disease.

NM_001166108.2(PALLD):c.*492A>G

Genes: CBR4 (carbonyl reductase 4; minus strand), PALLD (palladin, cytoskeletal associated protein; plus strand). Cytogenetic location: 4q32.3.
Variant type: single nucleotide variant.
Coding change: c.*492A>G on transcript NM_001166108.2 (MANE Select); 492 bases downstream of the stop codon, A replaced by G.
Molecular consequence: 3 prime UTR variant.
Genome position (GRCh38, 1-based): chr4:168,926,672, A>G. VCF-style: chr4-168926672-A-G. GRCh37 (hg19) VCF-style: chr4-169847823-A-G.
Other names: c.*287A>G (NM_001166109.2, NM_001166110.2, NM_001367568.1 and 1 more transcripts); c.*492A>G (NM_001367567.1, NM_001367570.1, NM_016081.4).
Identifiers: ClinVar variation 348051 (VCV000348051.5), dbSNP rs113794451, ClinGen allele CA10620405.